The following is an entry in ClinVar:

NM_024675.4(PALB2):c.2971G>T (p.Val991Phe)

Gene: PALB2 (partner and localizer of BRCA2; minus strand). Cytogenetic location: 16p12.2.
Variant type: single nucleotide variant.
Coding change: c.2971G>T on transcript NM_024675.4 (MANE Select); coding-DNA position 2971, G replaced by T.
Protein change: p.Val991Phe; replaces valine 991 with phenylalanine.
Molecular consequence: missense variant.
Genome position (GRCh38, 1-based): chr16:23,622,994, C>A on the plus strand (G>T on the coding strand, the complement: PALB2 is on the minus strand). VCF-style: chr16-23622994-C-A. GRCh37 (hg19) VCF-style: chr16-23634315-C-A.
Other names: short protein forms V991F.
Identifiers: ClinVar variation 231886 (VCV000231886.26), dbSNP rs765175665, ClinGen allele CA7963458.

ClinVar aggregate classification (germline): Uncertain significance. Review status: criteria provided, multiple submitters, no conflicts (2 of 4 stars). 9 submissions from 9 submitters: Uncertain significance (8). 1 of the submissions does not count toward it. Last evaluated 2025-12-23.

Conditions:
Hereditary cancer-predisposing syndrome. Also called: Neoplastic Syndromes, Hereditary; Tumor predisposition; Hereditary Cancer Syndrome; Hereditary neoplastic syndrome. Identifiers: Orphanet 140162, MedGen C0027672, MeSH D009386, MONDO:0015356.
Carcinoma of colon (CRC). Also called: Colon carcinoma; Colonic carcinoma. Identifiers: MedGen C0699790, MONDO:0002032.
Familial cancer of breast. Also called: BREAST CANCER, FAMILIAL; hereditary breast carcinoma; Hereditary breast cancer. Identifiers: Orphanet 227535, MedGen C0346153, MONDO:0016419, OMIM 114480. Disease mechanism: loss of function.

Allele frequency attached by ClinVar (database versions not stated): gnomAD exomes below 0.00001 and 0.00001; TOPMed below 0.00001; ExAC 0.00001; gnomAD 0.00001.
gnomAD v4.1: 12 of 1,614,056 alleles (0.00074%); highest among the groups gnomAD compares: Non-Finnish European, 0.001%; no homozygotes.

Submissions (9):

Labcorp Genetics (formerly Invitae), Labcorp
Classification: Uncertain significance for Familial cancer of breast. Last evaluated: 2025-12-23. Review status: criteria provided, single submitter. Criteria: Invitae Variant Classification Sherloc (09022015). Collection method: clinical testing. Allele origin: germline.
Comment: This sequence change replaces valine, which is neutral and non-polar, with phenylalanine, which is neutral and non-polar, at codon 991 of the PALB2 protein (p.Val991Phe). This variant is present in population databases (rs765175665, gnomAD 0.0009%). This variant has not been reported in the literature in individuals affected with PALB2-related conditions. ClinVar contains an entry for this variant (Variation ID: 231886). Invitae Evidence Modeling of protein sequence and biophysical properties (such as structural, functional, and spatial information, amino acid conservation, physicochemical variation, residue mobility, and thermodynamic stability) has been performed for this missense variant. However, the output from this modeling did not meet the statistical confidence thresholds required to predict the impact of this variant on PALB2 protein function. In summary, the available evidence is currently insufficient to determine the role of this variant in disease. Therefore, it has been classified as a Variant of Uncertain Significance.

Molecular Pathology, Peter Maccallum Cancer Centre
Classification: Uncertain significance for Familial cancer of breast. Last evaluated: 2025-04-03. Review status: criteria provided, single submitter. Criteria: ACMG Guidelines, 2015. Collection method: clinical testing. Allele origin: germline. Inheritance: Autosomal dominant inheritance.

Ambry Genetics
Classification: Uncertain significance for Hereditary cancer-predisposing syndrome. Last evaluated: 2024-05-05. Review status: criteria provided, single submitter. Criteria: Ambry Variant Classification Scheme 2023. Collection method: clinical testing. Allele origin: germline.
Comment: The p.V991F variant (also known as c.2971G>T), located in coding exon 9 of the PALB2 gene, results from a G to T substitution at nucleotide position 2971. The valine at codon 991 is replaced by phenylalanine, an amino acid with highly similar properties. This alteration has been reported in at least one breast cancer patient in a study of 13087 breast cancer cases and 5488 control individuals in the UK (Decker B et al. J Med Genet, 2017 11;54:732-741). This amino acid position is poorly conserved in available vertebrate species. In addition, this alteration is predicted to be tolerated by in silico analysis. Since supporting evidence is limited at this time, the clinical significance of this alteration remains unclear.

Baylor Genetics
Classification: Uncertain significance for Familial cancer of breast. Last evaluated: 2023-07-28. Review status: criteria provided, single submitter. Criteria: ACMG Guidelines, 2015. Collection method: clinical testing. Allele origin: unknown.

Women's Health and Genetics/Laboratory Corporation of America, LabCorp
Classification: Uncertain significance. Last evaluated: 2021-05-24. Review status: criteria provided, single submitter. Criteria: LabCorp Variant Classification Summary - May 2015. Collection method: clinical testing. Allele origin: germline.
Comment: Variant summary: PALB2 c.2971G>T (p.Val991Phe) results in a non-conservative amino acid change located in the WD40 domain (IPR031920) of the encoded protein sequence. Three of five in-silico tools predict a damaging effect of the variant on protein function. The variant allele was found at a frequency of 4e-06 in 251468 control chromosomes. The available data on variant occurrences in the general population are insufficient to allow any conclusion about variant significance. To our knowledge, no occurrence of c.2971G>T in individuals affected with Breast Cancer and no experimental evidence demonstrating its impact on protein function have been reported. Five clinical diagnostic laboratories have submitted clinical-significance assessments for this variant to ClinVar after 2014 without evidence for independent evaluation. All laboratories classified the variant as uncertain significance. Based on the evidence outlined above, the variant was classified as uncertain significance.

Color Diagnostics, LLC DBA Color Health
Classification: Uncertain significance for Hereditary cancer-predisposing syndrome. Last evaluated: 2020-12-08. Review status: criteria provided, single submitter. Criteria: ACMG Guidelines, 2015. Collection method: clinical testing. Allele origin: germline.
Comment: This missense variant replaces valine with phenylalanine at codon 991 of the PALB2 protein. Computational prediction is inconclusive regarding the impact of this variant on protein structure and function (internally defined REVEL score threshold 0.5 < inconclusive < 0.7, PMID: 27666373). To our knowledge, functional studies have not been reported for this variant. This variant has been reported in individuals affected with breast or ovarian cancer (PMID: 28779002). This variant has been identified in 1/251468 chromosomes in the general population by the Genome Aggregation Database (gnomAD). The available evidence is insufficient to determine the role of this variant in disease conclusively. Therefore, this variant is classified as a Variant of Uncertain Significance.

Genetics and Molecular Pathology, SA Pathology
Classification: Uncertain significance for Familial cancer of breast. Last evaluated: 2020-10-28. Review status: criteria provided, single submitter. Criteria: ACMG Guidelines, 2015. Collection method: clinical testing. Allele origin: germline. Affected: yes.

GeneDx
Classification: Uncertain significance. Last evaluated: 2015-03-09. Review status: criteria provided, single submitter. Criteria: GeneDx Variant Classification (06012015). Collection method: clinical testing. Allele origin: germline. Affected: yes.
Comment: This variant is denoted PALB2 c.2971G>T at the cDNA level, p.Val991Phe (V991F) at the protein level, and results in the change of a Valine to a Phenylalanine (GTC>TTC). This variant has not, to our knowledge, been published in the literature as pathogenic or benign. PALB2 Val991Phe was not observed in approximately 6,500 individuals of European and African American ancestry in the NHLBI Exome Sequencing Project, indicating it is not a common benign variant in these populations. Since Valine and Phenylalanine differ in some properties, this is considered a semi-conservative amino acid substitution. PALB2 Val991Phe occurs at a position that is not conserved across species and is located within the third WD repeat region, the region required for interaction with POLH and POLH DNA synthesis stimulation, and the region that interacts with RAD51 and BRCA2 (UniProt). In silico analyses are inconsistent regarding the effect this variant may have on protein structure and function. Based on currently available information, it is unclear whether PALB2 Val991Phe is pathogenic or benign. We consider it to be a variant of uncertain significance.

Leiden Open Variation Database
Classification: Uncertain significance for Colorectal cancer. Last evaluated: 2017-01-31. Review status: no assertion criteria provided. Collection method: curation. Allele origin: germline. Affected: yes. Not counted in ClinVar's aggregate classification.
Comment: Curators: Marc Tischkowitz, Arleen D. Auerbach. Submitter to LOVD: Melissa DeRycke.

Literature cited by the submitters: PubMed 28779002 (cited by Ambry Genetics).